The following is an entry in ClinVar:

ClinVar aggregate classification (germline): Uncertain significance (1 of 4 stars; one submission).

Submission:

Ambry Genetics
Classification: Uncertain significance. Last evaluated: 2022-12-14. Review status: criteria provided, single submitter. Criteria: Ambry Variant Classification Scheme 2023. Collection method: clinical testing. Allele origin: germline.
Comment: The p.K2101E variant (also known as c.6301A>G), located in coding exon 12 of the ALPK2 gene, results from an A to G substitution at nucleotide position 6301. The lysine at codon 2101 is replaced by glutamic acid, an amino acid with similar properties. This amino acid position is conserved. In addition, this alteration is predicted to be tolerated by in silico analysis. Since supporting evidence is limited at this time, the clinical significance of this alteration remains unclear.

NM_052947.4(ALPK2):c.6301A>G (p.Lys2101Glu)

Gene: ALPK2 (alpha kinase 2; minus strand). Cytogenetic location: 18q21.31.
Variant type: single nucleotide variant.
Coding change: c.6301A>G on transcript NM_052947.4 (MANE Select); coding-DNA position 6301, A replaced by G.
Protein change: p.Lys2101Glu; replaces lysine 2101 with glutamic acid.
Molecular consequence: missense variant.
Genome position (GRCh38, 1-based): chr18:58,482,035, T>C on the plus strand (A>G on the coding strand, the complement: ALPK2 is on the minus strand). VCF-style: chr18-58482035-T-C. GRCh37 (hg19) VCF-style: chr18-56149267-T-C.
Other names: short protein forms K2101E.
Identifiers: ClinVar variation 2449229 (VCV002449229.2), dbSNP rs2518842807, ClinGen allele CA402538798.